The following is an entry in ClinVar:

ClinVar aggregate classification (germline): Conflicting classifications of pathogenicity. Review status: criteria provided, conflicting classifications (1 of 4 stars). 5 submissions from 5 submitters: Uncertain significance (4); Likely benign (1). Last evaluated 2026-01-21.

Conditions:
Cardiovascular phenotype. Identifiers: MedGen CN230736.
Familial hypobetalipoproteinemia 1. Also called: Hypobetalipoproteinemia, normotriglyceridemic; Acanthocytosis with hypobetalipoproteinemia; APOB-Related Familial Hypobetalipoproteinemia. Identifiers: MedGen C4551990, MONDO:0014252, OMIM 615558.
Hypercholesterolemia, autosomal dominant, type B (FHCL2). Also called: Familial Hypercholesterolemia Type B; APOB-Related Familial Hypercholesterolemia, Autosomal Dominant; Hyperlipoproteinemia Type IIb; Familial hypercholesterolemia 2; APOLIPOPROTEIN B-100, FAMILIAL DEFECTIVE; APOLIPOPROTEIN B-100, FAMILIAL LIGAND-DEFECTIVE. Identifiers: MedGen C1704417, MONDO:0007751, OMIM 144010.

Allele frequency attached by ClinVar (database versions not stated): 1000 Genomes Project 30x 0.00016; 1000 Genomes Project 0.00020; ExAC 0.00004; gnomAD exomes 0.00004 and 0.00006; TOPMed 0.00004; gnomAD 0.00005; ESP Exome Variant Server 0.00008.
gnomAD v4.1: 101 of 1,614,196 alleles (0.0063%); highest among the groups gnomAD compares: Non-Finnish European, 0.0081%; no homozygotes.

Submissions (5):

Labcorp Genetics (formerly Invitae), Labcorp
Classification: Likely benign for Familial hypobetalipoproteinemia 1; Hypercholesterolemia, autosomal dominant, type B. Last evaluated: 2026-01-21. Review status: criteria provided, single submitter. Criteria: Invitae Variant Classification Sherloc (09022015). Collection method: clinical testing. Allele origin: germline.

Ambry Genetics
Classification: Uncertain significance for Cardiovascular phenotype. Last evaluated: 2025-05-10. Review status: criteria provided, single submitter. Criteria: Ambry Variant Classification Scheme 2023. Collection method: clinical testing. Allele origin: germline.
Comment: The p.N886S variant (also known as c.2657A>G), located in coding exon 18 of the APOB gene, results from an A to G substitution at nucleotide position 2657. The asparagine at codon 886 is replaced by serine, an amino acid with highly similar properties. This amino acid position is poorly conserved in available vertebrate species. In addition, this alteration is predicted to be tolerated by in silico analysis. Since supporting evidence is limited at this time, the clinical significance of this alteration remains unclear.

New York Genome Center
Classification: Uncertain significance for Familial hypobetalipoproteinemia 1; Hypercholesterolemia, autosomal dominant, type B. Last evaluated: 2022-06-15. Review status: criteria provided, single submitter. Criteria: NYGC Assertion Criteria 2020. Collection method: clinical testing. Allele origin: germline. Observed: 1 variant allele.
Comment: The c.2657A>G p.(Asn886Ser) variant identified in the APOB gene is predicted to result in the substitution of an Asparagine for Serineat amino acid 886/4564 (exon 18/29). This variant is found with low frequency in population databases gnomAD, BRAVO-TOPMed Freeze 8, All of Us (allele frequency=1.1e-4) suggesting it is not a common benign variant in the populations represented in those databases. In silico algorithms do not predict a damaging effect to the function of the canonical protein (REVEL=0.153). This variant reported in ClinVar as a Variant of Uncertain Significance [VarID:237742] and to our current knowledge has not been reported in affected individuals in the literature. Given the lack of compelling evidence for its pathogenicity, the c.2657A>Gp.(Asn886Ser) variant identified in the APOB gene is reported as a Variant of Uncertain Significance.

Department of Pathology and Laboratory Medicine, Sinai Health System
Classification: Uncertain significance for hypercholesterolemia, autosomal dominant, type B. Last evaluated: 2022-01-13. Review status: criteria provided, single submitter. Criteria: ACMG Guidelines, 2015. Collection method: research. Allele origin: germline.

Fulgent Genetics
Classification: Uncertain significance for Hypercholesterolemia, autosomal dominant, type B; Familial hypobetalipoproteinemia 1. Last evaluated: 2021-10-25. Review status: criteria provided, single submitter. Criteria: ACMG Guidelines, 2015. Collection method: clinical testing. Allele origin: unknown.

NM_000384.3(APOB):c.2657A>G (p.Asn886Ser)

Gene: APOB (apolipoprotein B; minus strand). Cytogenetic location: 2p24.1.
Variant type: single nucleotide variant.
Coding change: c.2657A>G on transcript NM_000384.3 (MANE Select); coding-DNA position 2657, A replaced by G.
Protein change: p.Asn886Ser; replaces asparagine 886 with serine.
Molecular consequence: missense variant.
Genome position (GRCh38, 1-based): chr2:21,022,990, T>C on the plus strand (A>G on the coding strand, the complement: APOB is on the minus strand). VCF-style: chr2-21022990-T-C. GRCh37 (hg19) VCF-style: chr2-21245862-T-C.
Other names: short protein forms N886S.
Identifiers: ClinVar variation 237742 (VCV000237742.18), dbSNP rs183398286, ClinGen allele CA056989.